The following is an entry in ClinVar:

NM_002336.3(LRP6):c.3432C>G (p.Ile1144Met)

Gene: LRP6 (LDL receptor related protein 6; minus strand). Cytogenetic location: 12p13.2.
Variant type: single nucleotide variant.
Coding change: c.3432C>G on transcript NM_002336.3 (MANE Select); coding-DNA position 3432, C replaced by G.
Protein change: p.Ile1144Met; replaces isoleucine 1144 with methionine.
Molecular consequence: missense variant.
Genome position (GRCh38, 1-based): chr12:12,138,500, G>C on the plus strand (C>G on the coding strand, the complement: LRP6 is on the minus strand). VCF-style: chr12-12138500-G-C. GRCh37 (hg19) VCF-style: chr12-12291434-G-C.
Other names: c.3525C>G, p.Ile1175Met (NM_001414244.1); c.3432C>G, p.Ile1144Met (NM_001414245.1, NM_001414246.1, NM_001414248.1 and 3 more transcripts); c.3234C>G, p.Ile1078Met (NM_001414247.1); c.2979C>G, p.Ile993Met (NM_001414252.1, NM_001414253.1, NM_001414254.1); c.2925C>G, p.Ile975Met (NM_001414255.1); short protein forms I1078M, I975M, I993M, I1144M, I1175M.
Identifiers: ClinVar variation 2189997 (VCV002189997.4), dbSNP rs148108074, ClinGen allele CA6455195.

ClinVar aggregate classification (germline): Uncertain significance (1 of 4 stars; one submission).

Allele frequency attached by ClinVar (database versions not stated): gnomAD exomes below 0.00001; ExAC 0.00001; gnomAD 0.00001; TOPMed 0.00001; ESP Exome Variant Server 0.00008.
gnomAD v4.1: 4 of 1,613,948 alleles (0.00025%); highest among the groups gnomAD compares: Non-Finnish European, 0.00034%; no homozygotes.

Submission:

Labcorp Genetics (formerly Invitae), Labcorp
Classification: Uncertain significance. Last evaluated: 2022-07-20. Review status: criteria provided, single submitter. Criteria: Invitae Variant Classification Sherloc (09022015). Collection method: clinical testing. Allele origin: germline.
Comment: In summary, the available evidence is currently insufficient to determine the role of this variant in disease. Therefore, it has been classified as a Variant of Uncertain Significance. Algorithms developed to predict the effect of missense changes on protein structure and function are either unavailable or do not agree on the potential impact of this missense change (SIFT: "Deleterious"; PolyPhen-2: "Probably Damaging"; Align-GVGD: "Class C0"). This variant has not been reported in the literature in individuals affected with LRP6-related conditions. This variant is present in population databases (rs148108074, gnomAD 0.0009%). This sequence change replaces isoleucine, which is neutral and non-polar, with methionine, which is neutral and non-polar, at codon 1144 of the LRP6 protein (p.Ile1144Met).